The following is an entry in ClinVar:

ClinVar aggregate classification (germline): Likely benign. Review status: criteria provided, multiple submitters, no conflicts (2 of 4 stars). 3 submissions from 3 submitters: Likely benign (2). 1 of the submissions does not count toward it. Last evaluated 2025-09-01.

Conditions:
COCH-related disorder. Also called: COCH-related condition.

Allele frequency attached by ClinVar (database versions not stated): 1000 Genomes Project 30x 0.00031; 1000 Genomes Project 0.00040.
gnomAD v4.1: 336 of 1,115,340 alleles (0.03%); highest among the groups gnomAD compares: Non-Finnish European, 0.038%; no homozygotes.

Submissions (3):

CeGaT Center for Human Genetics Tuebingen
Classification: Likely benign. Last evaluated: 2025-09-01. Review status: criteria provided, single submitter. Criteria: CeGaT Center For Human Genetics Tuebingen Variant Classification Criteria Version 2. Collection method: clinical testing. Allele origin: germline. Affected: yes. Observed: 1 variant allele.
Comment: COCH: BP4, BP7

Blueprint Genetics
Classification: Likely benign. Last evaluated: 2024-02-20. Review status: criteria provided, single submitter. Criteria: ACMG Guidelines, 2015. Collection method: clinical testing. Allele origin: germline.

PreventionGenetics, part of Exact Sciences
Classification: Likely benign for COCH-related condition. Last evaluated: 2019-10-28. Review status: no assertion criteria provided. Collection method: clinical testing. Allele origin: germline. Not counted in ClinVar's aggregate classification.
Comment: This variant is classified as likely benign based on ACMG/AMP sequence variant interpretation guidelines (Richards et al. 2015 PMID: 25741868, with internal and published modifications).

NM_004086.3(COCH):c.82+149G>A

Gene: COCH (cochlin; plus strand). Cytogenetic location: 14q12.
Variant type: single nucleotide variant.
Coding change: c.82+149G>A on transcript NM_004086.3 (MANE Select); 149 bases into the intron after coding-DNA position 82, G replaced by A.
Molecular consequence: intron variant. On other transcripts: synonymous variant (1).
Genome position (GRCh38, 1-based): chr14:30,875,252, G>A. VCF-style: chr14-30875252-G-A. GRCh37 (hg19) VCF-style: chr14-31344458-G-A.
Other names: c.231G>A, p.Ala77= (NM_001347720.2); c.82+149G>A (NM_001135058.2).
Identifiers: ClinVar variation 3053770 (VCV003053770.10), dbSNP rs149627009, ClinGen allele CA258531508.